The following is an entry in ClinVar:

NM_020232.5(PSMG2):c.346G>C (p.Ala116Pro)

Gene: PSMG2 (proteasome assembly chaperone 2; plus strand). Cytogenetic location: 18p11.21.
Variant type: single nucleotide variant.
Coding change: c.346G>C on transcript NM_020232.5 (MANE Select); coding-DNA position 346, G replaced by C.
Protein change: p.Ala116Pro; replaces alanine 116 with proline.
Molecular consequence: missense variant.
Genome position (GRCh38, 1-based): chr18:12,718,574, G>C. VCF-style: chr18-12718574-G-C. GRCh37 (hg19) VCF-style: chr18-12718573-G-C.
Other names: c.253G>C, p.Ala85Pro (NM_147163.2); short protein forms A85P, A116P.
Identifiers: ClinVar variation 1358343 (VCV001358343.6), dbSNP rs2145148337, ClinGen allele CA401967518.

ClinVar aggregate classification (germline): Uncertain significance (1 of 4 stars; one submission).

Submission:

Labcorp Genetics (formerly Invitae), Labcorp
Classification: Uncertain significance. Last evaluated: 2021-10-10. Review status: criteria provided, single submitter. Criteria: Invitae Variant Classification Sherloc (09022015). Collection method: clinical testing. Allele origin: germline.
Comment: In summary, the available evidence is currently insufficient to determine the role of this variant in disease. Therefore, it has been classified as a Variant of Uncertain Significance. Algorithms developed to predict the effect of missense changes on protein structure and function (SIFT, PolyPhen-2, Align-GVGD) all suggest that this variant is likely to be tolerated. This variant has not been reported in the literature in individuals affected with PSMG2-related conditions. This variant is not present in population databases (ExAC no frequency). This sequence change replaces alanine with proline at codon 116 of the PSMG2 protein (p.Ala116Pro). The alanine residue is moderately conserved and there is a small physicochemical difference between alanine and proline.